The following is an entry in ClinVar:

ClinVar aggregate classification (germline): Pathogenic (1 of 4 stars; one submission).

Conditions:
Spastic paraplegia. Identifiers: MedGen C0037772, HP:0001258.

Allele frequency attached by ClinVar (database versions not stated): gnomAD exomes below 0.00001.
gnomAD v4.1: 2 of 1,614,172 alleles (0.00012%); highest among the groups gnomAD compares: South Asian, 0.0011%; no homozygotes.

Submission:

Labcorp Genetics (formerly Invitae), Labcorp
Classification: Pathogenic for Spastic paraplegia. Last evaluated: 2023-10-22. Review status: criteria provided, single submitter. Criteria: Invitae Variant Classification Sherloc (09022015). Collection method: clinical testing. Allele origin: germline.
Comment: This sequence change creates a premature translational stop signal (p.Glu866*) in the ZFYVE26 gene. It is expected to result in an absent or disrupted protein product. Loss-of-function variants in ZFYVE26 are known to be pathogenic (PMID: 18394578, 19805727). This variant is not present in population databases (gnomAD no frequency). This variant has not been reported in the literature in individuals affected with ZFYVE26-related conditions. For these reasons, this variant has been classified as Pathogenic.

Literature cited by the submitters: PubMed 18394578; PubMed 19805727.

NM_015346.4(ZFYVE26):c.2596G>T (p.Glu866Ter)

Gene: ZFYVE26 (zinc finger FYVE-type containing 26; minus strand). Cytogenetic location: 14q24.1.
Variant type: single nucleotide variant.
Coding change: c.2596G>T on transcript NM_015346.4 (MANE Select); coding-DNA position 2596, G replaced by T.
Protein change: p.Glu866Ter; replaces glutamic acid 866 with a stop codon.
Molecular consequence: nonsense.
Genome position (GRCh38, 1-based): chr14:67,790,731, C>A on the plus strand (G>T on the coding strand, the complement: ZFYVE26 is on the minus strand). VCF-style: chr14-67790731-C-A. GRCh37 (hg19) VCF-style: chr14-68257448-C-A.
Other names: short protein forms E866*.
Identifiers: ClinVar variation 2841490 (VCV002841490.3), dbSNP rs2039790239, ClinGen allele CA390174101.
Genomic context (GRCh38, chr14:67,790,731, plus strand): 5'-TGTGCTCTACTTGGGCCAGTTCTTGGATCACTTCCTGGTAGCGCTCCATGAACATCAGTT[C>A]CCCTGAACTGGGTGAGGACTTCAGGTTGAACGTGAACAGCACCTGTCATAGGAGAGGGAG-3'